The following is an entry in ClinVar:

NM_000090.4(COL3A1):c.3256-43T>C

Gene: COL3A1 (collagen type III alpha 1 chain; plus strand). Cytogenetic location: 2q32.2.
Variant type: single nucleotide variant.
Coding change: c.3256-43T>C on transcript NM_000090.4 (MANE Select); 43 bases into the intron before coding-DNA position 3256, T replaced by C.
Molecular consequence: intron variant.
Genome position (GRCh38, 1-based): chr2:189,007,457, T>C. VCF-style: chr2-189007457-T-C. GRCh37 (hg19) VCF-style: chr2-189872183-T-C.
Identifiers: ClinVar variation 1332484 (VCV001332484.2), dbSNP rs587779667, ClinGen allele CA2573051821.

ClinVar aggregate classification (germline): Uncertain significance (1 of 4 stars; one submission).

Conditions:
Familial thoracic aortic aneurysm and aortic dissection (TAAD). Also called: Thoracic aortic aneurysms and dissections. Identifiers: Orphanet 91387, MedGen C4707243, MONDO:0019625.

Submission:

Color Diagnostics, LLC DBA Color Health
Classification: Uncertain significance for Familial thoracic aortic aneurysm and aortic dissection. Last evaluated: 2021-06-14. Review status: criteria provided, single submitter. Criteria: ACMG Guidelines, 2015. Collection method: clinical testing. Allele origin: germline.
Comment: This variant causes a T to C nucleotide substitution at the -43 position of intron 44 of the COL3A1 gene. To our knowledge, functional studies have not been reported for this variant. This variant has not been reported in individuals affected with cardiovascular disorders in the literature. This variant has not been identified in the general population by the Genome Aggregation Database (gnomAD). The available evidence is insufficient to determine the role of this variant in disease conclusively. Therefore, this variant is classified as a Variant of Uncertain Significance.